The following is an entry in ClinVar:

ClinVar aggregate classification (germline): Uncertain significance (1 of 4 stars; one submission).

gnomAD v4.1: 1 of 1,603,624 alleles (0.000062%); highest among the groups gnomAD compares: Non-Finnish European, 0.000085%; no homozygotes.

Submission:

GeneDx
Classification: Uncertain significance. Last evaluated: 2024-06-12. Review status: criteria provided, single submitter. Criteria: GeneDx Variant Classification Process June 2021. Collection method: clinical testing. Allele origin: germline.
Comment: Not observed at significant frequency in large population cohorts (gnomAD); In silico analysis indicates that this missense variant does not alter protein structure/function; Has not been previously published as pathogenic or benign to our knowledge

NM_021942.6(TRAPPC11):c.2674G>T (p.Val892Phe)

Gene: TRAPPC11 (trafficking protein particle complex subunit 11; plus strand). Cytogenetic location: 4q35.1.
Variant type: single nucleotide variant.
Coding change: c.2674G>T on transcript NM_021942.6 (MANE Select); coding-DNA position 2674, G replaced by T.
Protein change: p.Val892Phe; replaces valine 892 with phenylalanine.
Molecular consequence: missense variant.
Genome position (GRCh38, 1-based): chr4:183,697,548, G>T. VCF-style: chr4-183697548-G-T. GRCh37 (hg19) VCF-style: chr4-184618701-G-T.
Other names: c.2674G>T, p.Val892Phe (NM_199053.3); short protein forms V892F.
Identifiers: ClinVar variation 1804295 (VCV001804295.2), dbSNP rs369077324, ClinGen allele CA358872692.